The following is an entry in ClinVar:

ClinVar aggregate classification (germline): Uncertain significance. Review status: criteria provided, multiple submitters, no conflicts (2 of 4 stars). 5 submissions from 5 submitters: Uncertain significance (5). Last evaluated 2025-09-22.

Conditions:
Cardiovascular phenotype. Identifiers: MedGen CN230736.
Cardiomyopathy (CMYO). Also called: Cardiomyopathies. Identifiers: Orphanet 167848, MedGen C0878544, MONDO:0004994, HP:0001638. Inheritance: Various modes of inheritance.
Hypertrophic cardiomyopathy. Also called: HYPERTROPHIC MYOCARDIOPATHY. Identifiers: Orphanet 217569, MedGen C0007194, MeSH D002312, MONDO:0005045, HP:0001639.

Allele frequency attached by ClinVar (database versions not stated): gnomAD exomes below 0.00001; gnomAD 0.00001.
gnomAD v4.1: 3 of 1,614,124 alleles (0.00019%); highest among the groups gnomAD compares: Non-Finnish European, 0.00025%; no homozygotes.

Submissions (5):

Labcorp Genetics (formerly Invitae), Labcorp
Classification: Uncertain significance for Hypertrophic cardiomyopathy. Last evaluated: 2025-09-22. Review status: criteria provided, single submitter. Criteria: Invitae Variant Classification Sherloc (09022015). Collection method: clinical testing. Allele origin: germline.
Comment: This sequence change replaces alanine, which is neutral and non-polar, with threonine, which is neutral and polar, at codon 1751 of the MYH7 protein (p.Ala1751Thr). This variant is not present in population databases (gnomAD no frequency). This variant has not been reported in the literature in individuals affected with MYH7-related conditions. ClinVar contains an entry for this variant (Variation ID: 834109). Invitae Evidence Modeling of protein sequence and biophysical properties (such as structural, functional, and spatial information, amino acid conservation, physicochemical variation, residue mobility, and thermodynamic stability) indicates that this missense variant is expected to disrupt MYH7 protein function with a positive predictive value of 95%. In summary, the available evidence is currently insufficient to determine the role of this variant in disease. Therefore, it has been classified as a Variant of Uncertain Significance.

Revvity Omics, Revvity
Classification: Uncertain significance. Last evaluated: 2024-09-20. Review status: criteria provided, single submitter. Criteria: ACMG Guidelines, 2015. Collection method: clinical testing. Allele origin: germline.

Color Diagnostics, LLC DBA Color Health
Classification: Uncertain significance for Cardiomyopathy. Last evaluated: 2024-03-06. Review status: criteria provided, single submitter. Criteria: ACMG Guidelines, 2015. Collection method: clinical testing. Allele origin: germline.
Comment: This missense variant replaces alanine with threonine at codon 1751 of the MYH7 protein. Computational prediction is inconclusive regarding the impact of this variant on protein structure and function (internally defined REVEL score threshold 0.5 < inconclusive < 0.7, PMID: 27666373). To our knowledge, functional studies have not been reported for this variant. This variant has not been reported in individuals affected with cardiovascular disorders in the literature. This variant has not been identified in the general population by the Genome Aggregation Database (gnomAD). The available evidence is insufficient to determine the role of this variant in disease conclusively. Therefore, this variant is classified as a Variant of Uncertain Significance.

All of Us Research Program, National Institutes of Health
Classification: Uncertain significance for Cardiomyopathy. Last evaluated: 2024-01-11. Review status: criteria provided, single submitter. Criteria: ACMG Guidelines, 2015. Collection method: clinical testing. Allele origin: germline. Inheritance: Autosomal dominant inheritance. Observed: 2 variant alleles, 2 heterozygotes.
Comment: This study involves interpretation of variants in research participants for the purpose of population health screening. Participant phenotype was not available at the time of variant classification. Additional details can be found in publication PMID: 35346344, PMCID: PMC8962531

Ambry Genetics
Classification: Uncertain significance for Cardiovascular phenotype. Last evaluated: 2019-12-18. Review status: criteria provided, single submitter. Criteria: Ambry Variant Classification Scheme 2023. Collection method: clinical testing. Allele origin: germline.
Comment: The p.A1751T variant (also known as c.5251G>A), located in coding exon 34 of the MYH7 gene, results from a G to A substitution at nucleotide position 5251. The alanine at codon 1751 is replaced by threonine, an amino acid with similar properties. This amino acid position is highly conserved in available vertebrate species. In addition, the in silico prediction for this alteration is inconclusive. Since supporting evidence is limited at this time, the clinical significance of this alteration remains unclear.

NM_000257.4(MYH7):c.5251G>A (p.Ala1751Thr)

Genes: MYH7 (myosin heavy chain 7; minus strand), LOC126861897 (BRD4-independent group 4 enhancer GRCh37_chr14:23884455-23885654; plus strand). Cytogenetic location: 14q11.2.
Variant type: single nucleotide variant.
Coding change: c.5251G>A on transcript NM_000257.4 (MANE Select); coding-DNA position 5251, G replaced by A.
Protein change: p.Ala1751Thr; replaces alanine 1751 with threonine.
Molecular consequence: missense variant.
Genome position (GRCh38, 1-based): chr14:23,415,413, C>T on the plus strand (G>A on the coding strand, the complement: MYH7 is on the minus strand). VCF-style: chr14-23415413-C-T. GRCh37 (hg19) VCF-style: chr14-23884622-C-T.
Other names: short protein forms A1751T.
Identifiers: ClinVar variation 834109 (VCV000834109.17), dbSNP rs1892151210, ClinGen allele CA389036171.